The following is an entry in ClinVar:

NM_000158.4(GBE1):c.1621A>G (p.Asn541Asp)

Gene: GBE1 (1,4-alpha-glucan branching enzyme 1; minus strand). Cytogenetic location: 3p12.2.
Variant type: single nucleotide variant.
Coding change: c.1621A>G on transcript NM_000158.4 (MANE Select); coding-DNA position 1621, A replaced by G.
Protein change: p.Asn541Asp; replaces asparagine 541 with aspartic acid.
Molecular consequence: missense variant.
Genome position (GRCh38, 1-based): chr3:81,537,093, T>C on the plus strand (A>G on the coding strand, the complement: GBE1 is on the minus strand). VCF-style: chr3-81537093-T-C. GRCh37 (hg19) VCF-style: chr3-81586244-T-C.
Other names: short protein forms N541D.
Identifiers: ClinVar variation 848865 (VCV000848865.12), dbSNP rs1703086906, ClinGen allele CA353686694.

ClinVar aggregate classification (germline): Pathogenic/Likely pathogenic. Review status: criteria provided, multiple submitters, no conflicts (2 of 4 stars). 4 submissions from 4 submitters: Pathogenic (1); Likely pathogenic (3). Last evaluated 2026-01-16.

Conditions:
Glycogen storage disease, type IV (GSD4). Also called: AMYLOPECTINOSIS; ANDERSEN DISEASE; BRANCHER DEFICIENCY; CIRRHOSIS, FAMILIAL, WITH DEPOSITION OF ABNORMAL GLYCOGEN; GBE1 DEFICIENCY; GLYCOGEN BRANCHING ENZYME DEFICIENCY. Identifiers: Orphanet 367, MedGen C0017923, MONDO:0009292, OMIM 232500.
Glycogen storage disease IV, classic hepatic. Also called: GSD IV, CLASSIC HEPATIC. Identifiers: MedGen C1856301.

Allele frequency attached by ClinVar (database versions not stated): gnomAD exomes below 0.00001; gnomAD 0.00001; TOPMed 0.00001.
gnomAD v4.1: 5 of 1,506,426 alleles (0.00033%); highest among the groups gnomAD compares: Admixed American, 0.0025%; no homozygotes.

Submissions (4):

Labcorp Genetics (formerly Invitae), Labcorp
Classification: Pathogenic for Glycogen storage disease, type IV; Glycogen storage disease IV, classic hepatic. Last evaluated: 2026-01-16. Review status: criteria provided, single submitter. Criteria: Invitae Variant Classification Sherloc (09022015). Collection method: clinical testing. Allele origin: germline.
Comment: This sequence change replaces asparagine, which is neutral and polar, with aspartic acid, which is acidic and polar, at codon 541 of the GBE1 protein (p.Asn541Asp). This variant is not present in population databases (gnomAD no frequency). This missense change has been observed in individual(s) with glycogen storage disease (PMID: 25544507; internal data). It has also been observed to segregate with disease in related individuals. ClinVar contains an entry for this variant (Variation ID: 848865). An algorithm developed to predict the effect of missense changes on protein structure and function (PolyPhen-2) suggests that this variant is likely to be disruptive. For these reasons, this variant has been classified as Pathogenic.

Natera, Inc.
Classification: Likely pathogenic for Glycogen storage disease type IV. Last evaluated: 2024-11-15. Review status: criteria provided, single submitter. Criteria: Natera Variant Classification Schema (03/2026). Collection method: clinical testing. Allele origin: germline.
Comment: The c.1621A>G variant in GBE1 is a missense variant predicted to cause substitution of asparagine to aspartic acid at amino acid 541. This variant is rare in the general population with a frequency below the threshold expected for the associated phenotype(s). This variant has been observed in one or more individuals affected with the associated recessive disease, as either homozygous or compound heterozygous with a second variant (PMID: 25544507). Additionally, this variant has been observed to segregate in affected family members (PMID: 25544507). Functional studies show that this variant may disrupt protein function (PMID: 25544507). Computational prediction algorithms indicate this variant is likely to affect gene or protein function. Given the available evidence, this variant is classified as Likely Pathogenic.

Baylor Genetics
Classification: Likely pathogenic for Glycogen storage disease, type IV. Last evaluated: 2024-03-05. Review status: criteria provided, single submitter. Criteria: ACMG Guidelines, 2015. Collection method: clinical testing. Allele origin: unknown.

Women's Health and Genetics/Laboratory Corporation of America, LabCorp
Classification: Likely pathogenic for Glycogen storage disease, type IV. Last evaluated: 2023-08-17. Review status: criteria provided, single submitter. Criteria: LabCorp Variant Classification Summary - May 2015. Collection method: clinical testing. Allele origin: germline.
Comment: Variant summary: GBE1 c.1621A>G (p.Asn541Asp) results in a conservative amino acid change located in the Glycosyl hydrolase, family 13, catalytic domain (IPR006047) of the encoded protein sequence. Four of five in-silico tools predict a damaging effect of the variant on protein function. 4/4 computational tools predict no significant impact on normal splicing. However, these predictions have yet to be confirmed by functional studies. The variant was absent in 152994 control chromosomes (gnomAD and publication data). c.1621A>G has been reported in the literature in compound heterozygous and homozygous individuals affected with Adult Polyglucosan Body Disease (examples: Sampaolo_2014, Carvalho_2021). In addition, GBE1 activity was below 25% of the normal rate in leukocytes and sural nerves in homozygous patients (Sampaolo_2014). These data indicate that the variant is likely to be associated with disease. The following publications have been ascertained in the context of this evaluation (PMID: 33517539, 30228975, 25544507). One submitter has cited clinical-significance assessments for this variant to ClinVar after 2014 and has classified the variant as pathogenic. Based on the evidence outlined above, the variant was classified as likely pathogenic.

Literature cited by the submitters: PubMed 25544507 (cited by 3 submitters); PubMed 30228975 (cited by Women's Health and Genetics/Laboratory Corporation of America, LabCorp); PubMed 33517539 (cited by Women's Health and Genetics/Laboratory Corporation of America, LabCorp).